The following is an entry in ClinVar:

NM_017777.4(MKS1):c.1196G>C (p.Cys399Ser)

Gene: MKS1 (MKS transition zone complex subunit 1; minus strand). Cytogenetic location: 17q22.
Variant type: single nucleotide variant.
Coding change: c.1196G>C on transcript NM_017777.4 (MANE Select); coding-DNA position 1196, G replaced by C.
Protein change: p.Cys399Ser; replaces cysteine 399 with serine.
Molecular consequence: missense variant.
Genome position (GRCh38, 1-based): chr17:58,207,971, C>G on the plus strand (G>C on the coding strand, the complement: MKS1 is on the minus strand). VCF-style: chr17-58207971-C-G. GRCh37 (hg19) VCF-style: chr17-56285332-C-G.
Other names: c.587G>C, p.Cys196Ser (NM_001321268.2); c.1196G>C, p.Cys399Ser (NM_001321269.2, NM_001330397.2); short protein forms C399S, C196S.
Identifiers: ClinVar variation 194418 (VCV000194418.16), dbSNP rs144764478, ClinGen allele CA240352.

ClinVar aggregate classification (germline): Uncertain significance. Review status: criteria provided, multiple submitters, no conflicts (2 of 4 stars). 6 submissions from 6 submitters: Uncertain significance (5). 1 of the submissions does not count toward it. Last evaluated 2026-09-10.

Conditions:
MKS1-related disorder. Also called: MKS1-related condition; MKS1-related disorders. Identifiers: MedGen CN239382.
Joubert syndrome. Also called: Familial aplasia of the vermis; JOUBERT-BOLTSHAUSER SYNDROME. Identifiers: Orphanet 475, MedGen C5979921, MONDO:0018772.
Meckel-Gruber syndrome. Also called: GRUBER SYNDROME; Dysencephalia splachnocystica; DYSENCEPHALIA SPLANCHNOCYSTICA. Identifiers: Orphanet 564, MedGen C0265215, MONDO:0018921.
Meckel syndrome, type 1 (MKS1). Also called: MECKEL-GRUBER SYNDROME, TYPE 1. Identifiers: Orphanet 564, MedGen C3714506, MONDO:0009571, OMIM 249000.

Allele frequency attached by ClinVar (database versions not stated): TOPMed 0.00015; 1000 Genomes Project 30x 0.00016; 1000 Genomes Project 0.00020.
gnomAD v4.1: 461 of 1,614,104 alleles (0.029%); highest among the groups gnomAD compares: Non-Finnish European, 0.038%; no homozygotes.

Submissions (6):

PreventionGenetics, part of Exact Sciences
Classification: Uncertain significance for MKS1-related condition. Last evaluated: 2026-09-10. Review status: criteria provided, single submitter. Criteria: ACMG Guidelines, 2015. Collection method: clinical testing. Allele origin: germline.
Comment: The MKS1 c.1196G>C variant is predicted to result in the amino acid substitution p.Cys399Ser. To our knowledge, this variant has not been reported in the literature. This variant is reported in 0.026% of alleles in individuals of European (Non-Finnish) descent in gnomAD. At this time, the clinical significance of this variant is uncertain due to the absence of conclusive functional and genetic evidence.

GeneDx
Classification: Uncertain significance. Last evaluated: 2026-09-08. Review status: criteria provided, single submitter. Criteria: GeneDx Variant Classification Process June 2021. Collection method: clinical testing. Allele origin: germline.
Comment: In silico analysis suggests that this missense variant does not alter protein structure/function; Has not been previously published as pathogenic or benign to our knowledge

Labcorp Genetics (formerly Invitae), Labcorp
Classification: Uncertain significance for Joubert syndrome; Meckel-Gruber syndrome. Last evaluated: 2024-11-18. Review status: criteria provided, single submitter. Criteria: Invitae Variant Classification Sherloc (09022015). Collection method: clinical testing. Allele origin: germline.
Comment: This sequence change replaces cysteine, which is neutral and slightly polar, with serine, which is neutral and polar, at codon 399 of the MKS1 protein (p.Cys399Ser). This variant is present in population databases (rs144764478, gnomAD 0.02%). This variant has not been reported in the literature in individuals affected with MKS1-related conditions. ClinVar contains an entry for this variant (Variation ID: 194418). Invitae Evidence Modeling of protein sequence and biophysical properties (such as structural, functional, and spatial information, amino acid conservation, physicochemical variation, residue mobility, and thermodynamic stability) indicates that this missense variant is not expected to disrupt MKS1 protein function with a negative predictive value of 80%. In summary, the available evidence is currently insufficient to determine the role of this variant in disease. Therefore, it has been classified as a Variant of Uncertain Significance.

Blueprint Genetics
Classification: Uncertain significance. Last evaluated: 2024-01-23. Review status: criteria provided, single submitter. Criteria: ACMG Guidelines, 2015. Collection method: clinical testing. Allele origin: germline.

Eurofins Ntd Llc (ga)
Classification: Uncertain significance. Last evaluated: 2018-01-09. Review status: criteria provided, single submitter. Criteria: EGL Classification Definitions 2015. Collection method: clinical testing. Allele origin: germline. Observed: 2 variant alleles, 2 heterozygotes.

Natera, Inc.
Classification: Uncertain significance for Meckel syndrome type 1. Last evaluated: 2020-01-28. Review status: no assertion criteria provided. Collection method: clinical testing. Allele origin: germline. Not counted in ClinVar's aggregate classification.